The following is an entry in ClinVar:

ClinVar aggregate classification (germline): Likely pathogenic (1 of 4 stars; one submission).

Conditions:
Meckel-Gruber syndrome. Also called: Dysencephalia splachnocystica; DYSENCEPHALIA SPLANCHNOCYSTICA; GRUBER SYNDROME. Identifiers: Orphanet 564, MedGen C0265215, MONDO:0018921.
Joubert syndrome. Also called: Familial aplasia of the vermis; JOUBERT-BOLTSHAUSER SYNDROME. Identifiers: Orphanet 475, MedGen C5979921, MONDO:0018772.

Submission:

Labcorp Genetics (formerly Invitae), Labcorp
Classification: Likely pathogenic for Joubert syndrome; Meckel-Gruber syndrome. Last evaluated: 2025-03-17. Review status: criteria provided, single submitter. Criteria: Invitae Variant Classification Sherloc (09022015). Collection method: clinical testing. Allele origin: germline.
Comment: This sequence change affects an acceptor splice site in intron 32 of the CC2D2A gene. It is expected to disrupt RNA splicing. Variants that disrupt the donor or acceptor splice site typically lead to a loss of protein function (PMID: 16199547), and loss-of-function variants in CC2D2A are known to be pathogenic (PMID: 19777577). This variant is not present in population databases (gnomAD no frequency). This variant has not been reported in the literature in individuals affected with CC2D2A-related conditions. ClinVar contains an entry for this variant (Variation ID: 958101). Algorithms developed to predict the effect of sequence changes on RNA splicing suggest that this variant may disrupt the consensus splice site. In summary, the currently available evidence indicates that the variant is pathogenic, but additional data are needed to prove that conclusively. Therefore, this variant has been classified as Likely Pathogenic.

Literature cited by the submitters: PubMed 16199547; PubMed 19777577.

NM_001378615.1(CC2D2A):c.4066-1G>A

Genes: CC2D2A (coiled-coil and C2 domain containing 2A; plus strand), FBXL5 (F-box and leucine rich repeat protein 5; minus strand). Cytogenetic location: 4p15.32.
Variant type: single nucleotide variant.
Coding change: c.4066-1G>A on transcript NM_001378615.1 (MANE Select); the canonical splice acceptor site of the intron before coding-DNA position 4066, G replaced by A.
Molecular consequence: splice acceptor variant.
Genome position (GRCh38, 1-based): chr4:15,587,815, G>A. VCF-style: chr4-15587815-G-A. GRCh37 (hg19) VCF-style: chr4-15589438-G-A.
Other names: c.4066-1G>A (NM_001080522.2); c.3919-1G>A (NM_001378617.1).
Identifiers: ClinVar variation 958101 (VCV000958101.8), dbSNP rs867390302, ClinGen allele CA92526480.